The following is an entry in ClinVar:

NM_004281.4(BAG3):c.1477A>G (p.Lys493Glu)

Gene: BAG3 (BAG cochaperone 3; plus strand). Cytogenetic location: 10q26.11.
Variant type: single nucleotide variant.
Coding change: c.1477A>G on transcript NM_004281.4 (MANE Select); coding-DNA position 1477, A replaced by G.
Protein change: p.Lys493Glu; replaces lysine 493 with glutamic acid.
Molecular consequence: missense variant.
Genome position (GRCh38, 1-based): chr10:119,677,031, A>G. VCF-style: chr10-119677031-A-G. GRCh37 (hg19) VCF-style: chr10-121436543-A-G.
Other names: c.1477A>G (NM_004281.3); short protein forms K493E.
Identifiers: ClinVar variation 1368865 (VCV001368865.9), dbSNP rs1362214797, ClinGen allele CA378297403.

ClinVar aggregate classification (germline): Uncertain significance. Review status: criteria provided, multiple submitters, no conflicts (2 of 4 stars). 2 submissions from 2 submitters: Uncertain significance (2). Last evaluated 2025-04-28.

Conditions:
Cardiovascular phenotype. Identifiers: MedGen CN230736.
Myofibrillar myopathy 6. Identifiers: Orphanet 199340, MedGen C2751831, MONDO:0013061, OMIM 612954.
Dilated cardiomyopathy 1HH (CMD1HH). Identifiers: Orphanet 154, MedGen C3151293, MONDO:0013479, OMIM 613881.

Allele frequency attached by ClinVar (database versions not stated): TOPMed below 0.00001; gnomAD 0.00001; gnomAD exomes 0.00001.
gnomAD v4.1: 8 of 1,614,078 alleles (0.0005%); highest among the groups gnomAD compares: Non-Finnish European, 0.00059%; no homozygotes.

Submissions (2):

Labcorp Genetics (formerly Invitae), Labcorp
Classification: Uncertain significance for Dilated cardiomyopathy 1HH; Myofibrillar myopathy 6. Last evaluated: 2025-04-28. Review status: criteria provided, single submitter. Criteria: Invitae Variant Classification Sherloc (09022015). Collection method: clinical testing. Allele origin: germline.
Comment: This sequence change replaces lysine, which is basic and polar, with glutamic acid, which is acidic and polar, at codon 493 of the BAG3 protein (p.Lys493Glu). This variant is not present in population databases (gnomAD no frequency). This variant has not been reported in the literature in individuals affected with BAG3-related conditions. ClinVar contains an entry for this variant (Variation ID: 1368865). Invitae Evidence Modeling of protein sequence and biophysical properties (such as structural, functional, and spatial information, amino acid conservation, physicochemical variation, residue mobility, and thermodynamic stability) indicates that this missense variant is not expected to disrupt BAG3 protein function with a negative predictive value of 80%. In summary, the available evidence is currently insufficient to determine the role of this variant in disease. Therefore, it has been classified as a Variant of Uncertain Significance.

Ambry Genetics
Classification: Uncertain significance for Cardiovascular phenotype. Last evaluated: 2025-02-10. Review status: criteria provided, single submitter. Criteria: Ambry Variant Classification Scheme 2023. Collection method: clinical testing. Allele origin: germline.
Comment: The p.K493E variant (also known as c.1477A>G), located in coding exon 4 of the BAG3 gene, results from an A to G substitution at nucleotide position 1477. The lysine at codon 493 is replaced by glutamic acid, an amino acid with similar properties. This amino acid position is conserved. In addition, this alteration is predicted to be tolerated by in silico analysis. Based on the available evidence, the clinical significance of this variant remains unclear.